The following is an entry in ClinVar:

ClinVar aggregate classification (germline): Uncertain significance. Review status: criteria provided, multiple submitters, no conflicts (2 of 4 stars). 2 submissions from 2 submitters: Uncertain significance (2). Last evaluated 2024-04-03.

Conditions:
Cardiovascular phenotype. Identifiers: MedGen CN230736.
Catecholaminergic polymorphic ventricular tachycardia 1. Also called: VENTRICULAR TACHYCARDIA, CATECHOLAMINERGIC POLYMORPHIC, 1, WITH OR WITHOUT ATRIAL DYSFUNCTION AND/OR DILATED CARDIOMYOPATHY; RYR2-Related Catecholaminergic Polymorphic Ventricular Tachycardia; VENTRICULAR TACHYCARDIA, STRESS-INDUCED POLYMORPHIC 1. Identifiers: Orphanet 3286, MedGen C1631597, MONDO:0011484, OMIM 604772.

Allele frequency attached by ClinVar (database versions not stated): gnomAD exomes below 0.00001; ExAC 0.00001; gnomAD 0.00001; TOPMed 0.00001.
gnomAD v4.1: 3 of 1,613,894 alleles (0.00019%); highest among the groups gnomAD compares: African/African-American, 0.004%; no homozygotes.

Submissions (2):

Labcorp Genetics (formerly Invitae), Labcorp
Classification: Uncertain significance for Catecholaminergic polymorphic ventricular tachycardia 1. Last evaluated: 2024-04-03. Review status: criteria provided, single submitter. Criteria: Invitae Variant Classification Sherloc (09022015). Collection method: clinical testing. Allele origin: germline.
Comment: This sequence change replaces glutamine, which is neutral and polar, with arginine, which is basic and polar, at codon 208 of the RYR2 protein (p.Gln208Arg). This variant is present in population databases (rs778071716, gnomAD 0.007%). This missense change has been observed in individual(s) with clinical features of RYR2-related conditions (PMID: 29247119). ClinVar contains an entry for this variant (Variation ID: 2568276). Advanced modeling of protein sequence and biophysical properties (such as structural, functional, and spatial information, amino acid conservation, physicochemical variation, residue mobility, and thermodynamic stability) has been performed at Invitae for this missense variant, however the output from this modeling did not meet the statistical confidence thresholds required to predict the impact of this variant on RYR2 protein function. In summary, the available evidence is currently insufficient to determine the role of this variant in disease. Therefore, it has been classified as a Variant of Uncertain Significance.

Ambry Genetics
Classification: Uncertain significance for Cardiovascular phenotype. Last evaluated: 2023-06-05. Review status: criteria provided, single submitter. Criteria: Ambry Variant Classification Scheme 2023. Collection method: clinical testing. Allele origin: germline.
Comment: The p.Q208R variant (also known as c.623A>G), located in coding exon 9 of the RYR2 gene, results from an A to G substitution at nucleotide position 623. The glutamine at codon 208 is replaced by arginine, an amino acid with highly similar properties. This variant has been detected in a sudden unexplained death cohort (Lin Y et al. Circ Cardiovasc Genet, 2017 Dec;10). This amino acid position is well conserved in available vertebrate species. In addition, the in silico prediction for this alteration is inconclusive. Since supporting evidence is limited at this time, the clinical significance of this alteration remains unclear.

Literature cited by the submitters: PubMed 29247119 (cited by Labcorp Genetics (formerly Invitae), Labcorp and Ambry Genetics).

NM_001035.3(RYR2):c.623A>G (p.Gln208Arg)

Gene: RYR2 (ryanodine receptor 2; plus strand). Cytogenetic location: 1q43.
Variant type: single nucleotide variant.
Coding change: c.623A>G on transcript NM_001035.3 (MANE Select); coding-DNA position 623, A replaced by G.
Protein change: p.Gln208Arg; replaces glutamine 208 with arginine.
Molecular consequence: missense variant.
Genome position (GRCh38, 1-based): chr1:237,387,327, A>G. VCF-style: chr1-237387327-A-G. GRCh37 (hg19) VCF-style: chr1-237550627-A-G.
Other names: short protein forms Q208R.
Identifiers: ClinVar variation 2568276 (VCV002568276.4), dbSNP rs778071716, ClinGen allele CA087080.